The following is an entry in ClinVar:

ClinVar aggregate classification (germline): Uncertain significance. Review status: criteria provided, multiple submitters, no conflicts (2 of 4 stars). 2 submissions from 2 submitters: Uncertain significance (2). Last evaluated 2024-12-15.

Conditions:
Singleton-Merten syndrome 1 (SGMRT1). Also called: Widened medullary cavities of bone, aortic calcification, abnormal dentition, and muscular weakness; Syndrome of widened medullary cavities of the metacarpals and phalanges, aortic calcification and abnormal dentition. Identifiers: Orphanet 85191, MedGen C4225427, MONDO:0024535, OMIM 182250.
Aicardi-Goutieres syndrome 7 (AGS7). Identifiers: Orphanet 51, MedGen C3888244, MONDO:0014367, OMIM 615846.

Allele frequency attached by ClinVar (database versions not stated): TOPMed below 0.00001.

Submissions (2):

Labcorp Genetics (formerly Invitae), Labcorp
Classification: Uncertain significance for Aicardi-Goutieres syndrome 7; Singleton-Merten syndrome 1. Last evaluated: 2024-12-15. Review status: criteria provided, single submitter. Criteria: Invitae Variant Classification Sherloc (09022015). Collection method: clinical testing. Allele origin: germline.
Comment: This sequence change replaces proline, which is neutral and non-polar, with serine, which is neutral and polar, at codon 123 of the IFIH1 protein (p.Pro123Ser). This variant is not present in population databases (gnomAD no frequency). This variant has not been reported in the literature in individuals affected with IFIH1-related conditions. ClinVar contains an entry for this variant (Variation ID: 1437336). Invitae Evidence Modeling of protein sequence and biophysical properties (such as structural, functional, and spatial information, amino acid conservation, physicochemical variation, residue mobility, and thermodynamic stability) has been performed for this missense variant. However, the output from this modeling did not meet the statistical confidence thresholds required to predict the impact of this variant on IFIH1 protein function. In summary, the available evidence is currently insufficient to determine the role of this variant in disease. Therefore, it has been classified as a Variant of Uncertain Significance.

GeneDx
Classification: Uncertain significance. Last evaluated: 2023-10-01. Review status: criteria provided, single submitter. Criteria: GeneDx Variant Classification Process June 2021. Collection method: clinical testing. Allele origin: germline. Affected: yes.
Comment: Not observed at significant frequency in large population cohorts (gnomAD); In silico analysis supports that this missense variant has a deleterious effect on protein structure/function; Has not been previously published as pathogenic or benign to our knowledge

NM_022168.4(IFIH1):c.367C>T (p.Pro123Ser)

Gene: IFIH1 (interferon induced with helicase C domain 1; minus strand). Cytogenetic location: 2q24.2.
Variant type: single nucleotide variant.
Coding change: c.367C>T on transcript NM_022168.4 (MANE Select); coding-DNA position 367, C replaced by T.
Protein change: p.Pro123Ser; replaces proline 123 with serine.
Molecular consequence: missense variant.
Genome position (GRCh38, 1-based): chr2:162,317,941, G>A on the plus strand (C>T on the coding strand, the complement: IFIH1 is on the minus strand). VCF-style: chr2-162317941-G-A. GRCh37 (hg19) VCF-style: chr2-163174451-G-A.
Other names: c.367C>T (NM_022168.3); short protein forms P123S.
Identifiers: ClinVar variation 1437336 (VCV001437336.9), dbSNP rs1683538119, ClinGen allele CA349013521.